The following is an entry in ClinVar:

ClinVar aggregate classification (germline): Uncertain significance (1 of 4 stars; one submission).

Conditions:
Baller-Gerold syndrome (BGS). Also called: CRANIOSYNOSTOSIS WITH RADIAL DEFECTS. Identifiers: Orphanet 1225, MedGen C0265308, MONDO:0009039, OMIM 218600.

Submission:

Labcorp Genetics (formerly Invitae), Labcorp
Classification: Uncertain significance for Baller-Gerold syndrome. Last evaluated: 2025-07-06. Review status: criteria provided, single submitter. Criteria: Invitae Variant Classification Sherloc (09022015). Collection method: clinical testing. Allele origin: germline.
Comment: This sequence change replaces glutamic acid, which is acidic and polar, with glycine, which is neutral and non-polar, at codon 1110 of the RECQL4 protein (p.Glu1110Gly). This variant is not present in population databases (gnomAD no frequency). This variant has not been reported in the literature in individuals affected with RECQL4-related conditions. ClinVar contains an entry for this variant (Variation ID: 1021263). Invitae Evidence Modeling of protein sequence and biophysical properties (such as structural, functional, and spatial information, amino acid conservation, physicochemical variation, residue mobility, and thermodynamic stability) indicates that this missense variant is not expected to disrupt RECQL4 protein function with a negative predictive value of 80%. In summary, the available evidence is currently insufficient to determine the role of this variant in disease. Therefore, it has been classified as a Variant of Uncertain Significance.

NM_004260.4(RECQL4):c.3329A>G (p.Glu1110Gly)

Gene: RECQL4 (RecQ like helicase 4; minus strand). Cytogenetic location: 8q24.3.
Variant type: single nucleotide variant.
Coding change: c.3329A>G on transcript NM_004260.4 (MANE Select); coding-DNA position 3329, A replaced by G.
Protein change: p.Glu1110Gly; replaces glutamic acid 1110 with glycine.
Molecular consequence: missense variant.
Genome position (GRCh38, 1-based): chr8:144,511,975, T>C on the plus strand (A>G on the coding strand, the complement: RECQL4 is on the minus strand). VCF-style: chr8-144511975-T-C. GRCh37 (hg19) VCF-style: chr8-145737358-T-C.
Other names: short protein forms E1110G.
Identifiers: ClinVar variation 1021263 (VCV001021263.5), dbSNP rs1827302126, ClinGen allele CA372668572.